The following is an entry in ClinVar:

NM_024642.5(GALNT12):c.314del (p.Ile105fs)

Gene: GALNT12 (polypeptide N-acetylgalactosaminyltransferase 12; plus strand). Cytogenetic location: 9q22.33.
Variant type: Deletion.
Coding change: c.314del on transcript NM_024642.5 (MANE Select); coding-DNA position 314, one base deleted (T; older notation c.314delT).
Protein change: p.Ile105fs; shifts the reading frame from isoleucine 105.
Molecular consequence: frameshift variant.
Genome position (GRCh38, 1-based): chr9:98,808,012, T deleted. VCF-style (leftmost placement, unchanged base first): chr9-98808011-AT-A. GRCh37 (hg19) VCF-style: chr9-101570293-AT-A.
Other names: short protein forms I105fs.
Identifiers: ClinVar variation 1728169 (VCV001728169.2), dbSNP rs1564243922, ClinGen allele CA589582985.

ClinVar aggregate classification (germline): Uncertain significance (1 of 4 stars; one submission).

Allele frequency attached by ClinVar (database versions not stated): gnomAD exomes below 0.00001.

Submission:

Ambry Genetics
Classification: Uncertain significance. Last evaluated: 2022-06-09. Review status: criteria provided, single submitter. Criteria: Ambry Variant Classification Scheme 2023. Collection method: clinical testing. Allele origin: germline.
Comment: The c.314delT variant, located in coding exon 1 of the GALNT12 gene, results from a deletion of one nucleotide at nucleotide position 314, causing a translational frameshift with a predicted alternate stop codon (p.I105Tfs*38). This alteration is expected to result in premature protein truncation or nonsense-mediated mRNA decay. However, loss of function of GALNT1 has not been clearly established as a mechanism of disease and the evidence for this gene-disease relationship is limited; therefore, the clinical significance of this alteration is unclear.